The following is an entry in ClinVar:

NM_001146.5(ANGPT1):c.164G>C (p.Arg55Pro)

Gene: ANGPT1 (angiopoietin 1; minus strand). Cytogenetic location: 8q23.1.
Variant type: single nucleotide variant.
Coding change: c.164G>C on transcript NM_001146.5 (MANE Select); coding-DNA position 164, G replaced by C.
Protein change: p.Arg55Pro; replaces arginine 55 with proline.
Molecular consequence: missense variant.
Genome position (GRCh38, 1-based): chr8:107,497,395, C>G on the plus strand (G>C on the coding strand, the complement: ANGPT1 is on the minus strand). VCF-style: chr8-107497395-C-G. GRCh37 (hg19) VCF-style: chr8-108509623-C-G.
Other names: c.164G>C, p.Arg55Pro (NM_001199859.3); short protein forms R55P.
Identifiers: ClinVar variation 2088749 (VCV002088749.4), dbSNP rs1340477853, ClinGen allele CA372035388.
Genomic context (GRCh38, chr8:107,497,395, plus strand): 5'-TCCACGTGTGGAGCATCTCTCTGCAGAGCGTTTGTGTTGTACTGGTCTGTCGTACTCTCA[C>G]GACAGTTGCCATCGTGTTCTGGAAGAATGAAAGTGTAGGCACATTGCCCATGTTGAATCC-3'
Protein context (NP_001137.2, residues 45-65): FILPEHDGNC[Arg55Pro]ESTTDQYNTN

ClinVar aggregate classification (germline): Uncertain significance (1 of 4 stars; one submission).

Allele frequency attached by ClinVar (database versions not stated): gnomAD exomes below 0.00001; gnomAD 0.00001; TOPMed 0.00001.
gnomAD v4.1: 5 of 1,614,054 alleles (0.00031%); highest among the groups gnomAD compares: Admixed American, 0.0033%; no homozygotes.

Submission:

Labcorp Genetics (formerly Invitae), Labcorp
Classification: Uncertain significance. Last evaluated: 2022-04-01. Review status: criteria provided, single submitter. Criteria: Invitae Variant Classification Sherloc (09022015). Collection method: clinical testing. Allele origin: germline.
Comment: In summary, the available evidence is currently insufficient to determine the role of this variant in disease. Therefore, it has been classified as a Variant of Uncertain Significance. Algorithms developed to predict the effect of missense changes on protein structure and function are either unavailable or do not agree on the potential impact of this missense change (SIFT: "Deleterious"; PolyPhen-2: "Benign"; Align-GVGD: "Class C0"). This variant has not been reported in the literature in individuals affected with ANGPT1-related conditions. This variant is not present in population databases (gnomAD no frequency). This sequence change replaces arginine, which is basic and polar, with proline, which is neutral and non-polar, at codon 55 of the ANGPT1 protein (p.Arg55Pro).